The following is an entry in ClinVar:

ClinVar aggregate classification (germline): Likely benign. Review status: criteria provided, single submitter (1 of 4 stars). 2 submissions from 2 submitters: Likely benign (1). 1 of the submissions does not count toward it. Last evaluated 2024-03-01.

Conditions:
PKD1L1-related disorder. Also called: PKD1L1-related condition.

Allele frequency attached by ClinVar (database versions not stated): ExAC 0.00002; gnomAD exomes 0.00007; TOPMed 0.00008; 1000 Genomes Project 30x 0.00016; 1000 Genomes Project 0.00020.
gnomAD v4.1: 107 of 1,613,816 alleles (0.0066%); highest among the groups gnomAD compares: Middle Eastern, 0.017%; no homozygotes.

Submissions (2):

Labcorp Genetics (formerly Invitae), Labcorp
Classification: Likely benign. Last evaluated: 2024-03-01. Review status: criteria provided, single submitter. Criteria: Invitae Variant Classification Sherloc (09022015). Collection method: clinical testing. Allele origin: germline.

PreventionGenetics, part of Exact Sciences
Classification: Likely benign for PKD1L1-related condition. Last evaluated: 2019-06-27. Review status: no assertion criteria provided. Collection method: clinical testing. Allele origin: germline. Not counted in ClinVar's aggregate classification.
Comment: This variant is classified as likely benign based on ACMG/AMP sequence variant interpretation guidelines (Richards et al. 2015 PMID: 25741868, with internal and published modifications).

NM_138295.5(PKD1L1):c.5397G>A (p.Ala1799=)

Gene: PKD1L1 (polycystin 1 like 1, transient receptor potential channel interacting; minus strand). Cytogenetic location: 7p12.3.
Variant type: single nucleotide variant.
Coding change: c.5397G>A on transcript NM_138295.5 (MANE Select); coding-DNA position 5397, G replaced by A.
Protein change: p.Ala1799=; no amino-acid change (alanine 1799 retained).
Molecular consequence: synonymous variant.
Genome position (GRCh38, 1-based): chr7:47,843,010, C>T on the plus strand (G>A on the coding strand, the complement: PKD1L1 is on the minus strand). VCF-style: chr7-47843010-C-T. GRCh37 (hg19) VCF-style: chr7-47882608-C-T.
Identifiers: ClinVar variation 3043089 (VCV003043089.4), dbSNP rs548476706, ClinGen allele CA4252854.